The following is an entry in ClinVar:

ClinVar aggregate classification (germline): Uncertain significance (1 of 4 stars; one submission).

Allele frequency attached by ClinVar (database versions not stated): gnomAD exomes below 0.00001; gnomAD 0.00001; TOPMed 0.00001.
gnomAD v4.1: 4 of 1,608,912 alleles (0.00025%); highest among the groups gnomAD compares: Non-Finnish European, 0.00034%; no homozygotes.

Submission:

Labcorp Genetics (formerly Invitae), Labcorp
Classification: Uncertain significance. Last evaluated: 2023-04-07. Review status: criteria provided, single submitter. Criteria: Invitae Variant Classification Sherloc (09022015). Collection method: clinical testing. Allele origin: germline.
Comment: In summary, the available evidence is currently insufficient to determine the role of this variant in disease. Therefore, it has been classified as a Variant of Uncertain Significance. Algorithms developed to predict the effect of missense changes on protein structure and function output the following: SIFT: "Not Available"; PolyPhen-2: "Benign"; Align-GVGD: "Not Available". The valine amino acid residue is found in multiple mammalian species, which suggests that this missense change does not adversely affect protein function. This sequence change replaces isoleucine, which is neutral and non-polar, with valine, which is neutral and non-polar, at codon 440 of the IL23R protein (p.Ile440Val). This variant is present in population databases (no rsID available, gnomAD 0.0009%). This variant has not been reported in the literature in individuals affected with IL23R-related conditions.

NM_144701.3(IL23R):c.1318A>G (p.Ile440Val)

Gene: IL23R (interleukin 23 receptor; plus strand). Cytogenetic location: 1p31.3.
Variant type: single nucleotide variant.
Coding change: c.1318A>G on transcript NM_144701.3 (MANE Select); coding-DNA position 1318, A replaced by G.
Protein change: p.Ile440Val; replaces isoleucine 440 with valine.
Molecular consequence: missense variant.
Genome position (GRCh38, 1-based): chr1:67,258,556, A>G. VCF-style: chr1-67258556-A-G. GRCh37 (hg19) VCF-style: chr1-67724239-A-G.
Other names: short protein forms I440V.
Identifiers: ClinVar variation 2876357 (VCV002876357.3), dbSNP rs1449828831, ClinGen allele CA340727850.
Genomic context (GRCh38, chr1:67,258,556, plus strand): 5'-AATAATAATTCCAGTGAGCAGGTCCTATATGTTGATCCCATGATTACAGAGATAAAAGAA[A>G]TCTTCATCCCAGAACACAAGCCTACAGACTACAAGAAGGAGAATACAGGACCCCTGGAGA-3'
Protein context (NP_653302.2, residues 430-450): VDPMITEIKE[Ile440Val]FIPEHKPTDY